The following is an entry in ClinVar:

ClinVar aggregate classification (germline): Conflicting classifications of pathogenicity. Review status: criteria provided, conflicting classifications (1 of 4 stars). 3 submissions from 3 submitters: Uncertain significance (1); Likely benign (2). Last evaluated 2025-12-22.

Conditions:
Cardiovascular phenotype. Identifiers: MedGen CN230736.
Duchenne muscular dystrophy (DMD). Also called: MUSCULAR DYSTROPHY, PSEUDOHYPERTROPHIC PROGRESSIVE, DUCHENNE TYPE; Duchenne Muscular Dystrophy (DMD). Identifiers: Orphanet 98896, MedGen C0013264, MONDO:0010679, OMIM 310200.

Allele frequency attached by ClinVar (database versions not stated): gnomAD exomes 0.00001; TOPMed 0.00001; gnomAD 0.00005.
gnomAD v4.1: 16 of 1,205,401 alleles (0.0013%); highest among the groups gnomAD compares: Admixed American, 0.0022%; no homozygotes.

Submissions (3):

Labcorp Genetics (formerly Invitae), Labcorp
Classification: Likely benign for Duchenne muscular dystrophy. Last evaluated: 2025-12-22. Review status: criteria provided, single submitter. Criteria: Invitae Variant Classification Sherloc (09022015). Collection method: clinical testing. Allele origin: germline.

Laboratory of Genetics, Children's Clinical University Hospital Latvia
Classification: Likely benign. Last evaluated: 2025-02-16. Review status: criteria provided, single submitter. Criteria: ACMG Guidelines, 2015. Collection method: clinical testing. Allele origin: germline. Affected: yes.

Ambry Genetics
Classification: Uncertain significance for Cardiovascular phenotype. Last evaluated: 2021-11-08. Review status: criteria provided, single submitter. Criteria: Ambry Variant Classification Scheme 2023. Collection method: clinical testing. Allele origin: germline.
Comment: The p.S1517F variant (also known as c.4550C>T), located in coding exon 33 of the DMD gene, results from a C to T substitution at nucleotide position 4550. The serine at codon 1517 is replaced by phenylalanine, an amino acid with highly dissimilar properties. Based on data from gnomAD, the T allele has an overall frequency of 0.005396% (11/203837) total alleles studied, with 2 hemizygote(s) observed. The highest observed frequency was 0.01088% (10/91922) of non-Finnish European alleles. This amino acid position is well conserved in available vertebrate species. In addition, this alteration is predicted to be tolerated by in silico analysis. Since supporting evidence is limited at this time, the clinical significance of this alteration remains unclear.

NM_004006.3(DMD):c.4550C>T (p.Ser1517Phe)

Gene: DMD (dystrophin; minus strand). Cytogenetic location: Xp21.1.
Variant type: single nucleotide variant.
Coding change: c.4550C>T on transcript NM_004006.3 (MANE Select); coding-DNA position 4550, C replaced by T.
Protein change: p.Ser1517Phe; replaces serine 1517 with phenylalanine.
Molecular consequence: missense variant.
Genome position (GRCh38, 1-based): chrX:32,386,434, G>A on the plus strand (C>T on the coding strand, the complement: DMD is on the minus strand). VCF-style: chrX-32386434-G-A. GRCh37 (hg19) VCF-style: chrX-32404551-G-A.
Other names: c.4526C>T, p.Ser1509Phe (NM_000109.4); c.4538C>T, p.Ser1513Phe (NM_004009.3); c.4181C>T, p.Ser1394Phe (NM_004010.3); c.527C>T, p.Ser176Phe (NM_004011.4); c.518C>T, p.Ser173Phe (NM_004012.4); short protein forms S1394F, S1509F, S173F, S1513F, S176F, S1517F.
Identifiers: ClinVar variation 1741440 (VCV001741440.8), dbSNP rs1447055069, ClinGen allele CA412662742.